The following is an entry in ClinVar:

NM_001201427.2(DAAM2):c.1241G>A (p.Arg414Gln)

Gene: DAAM2 (dishevelled associated activator of morphogenesis 2; plus strand). Cytogenetic location: 6p21.2.
Variant type: single nucleotide variant.
Coding change: c.1241G>A on transcript NM_001201427.2 (MANE Select); coding-DNA position 1241, G replaced by A.
Protein change: p.Arg414Gln; replaces arginine 414 with glutamine.
Molecular consequence: missense variant.
Genome position (GRCh38, 1-based): chr6:39,875,408, G>A. VCF-style: chr6-39875408-G-A. GRCh37 (hg19) VCF-style: chr6-39843184-G-A.
Other names: c.1241G>A, p.Arg414Gln (NM_015345.4); short protein forms R414Q.
Identifiers: ClinVar variation 3898222 (VCV003898222.7).
Genomic context (GRCh38, chr6:39,875,408, plus strand): 5'-ACTTCCAGCAGTGGCAGCTCCTGGACCGCATCCTCCAGCAGATTGTCCTCCAGGATGAGC[G>A]GGGTGTGGACCCTGACCTGGCTCCCTTGGAGAACTTCAATGTCAAGAACATCGTCAACAT-3'
Protein context (NP_001188356.1, residues 404-424): ILQQIVLQDE[Arg414Gln]GVDPDLAPLE

ClinVar aggregate classification (germline): Likely benign (1 of 4 stars; one submission).

gnomAD v4.1: 31 of 1,613,808 alleles (0.0019%); highest among the groups gnomAD compares: African/African-American, 0.012%; no homozygotes.

Submission:

CeGaT Center for Human Genetics Tuebingen
Classification: Likely benign. Last evaluated: 2025-04-01. Review status: criteria provided, single submitter. Criteria: CeGaT Center For Human Genetics Tuebingen Variant Classification Criteria Version 2. Collection method: clinical testing. Allele origin: germline. Affected: yes. Observed: 1 variant allele.
Comment: DAAM2: BP4